The following is an entry in ClinVar:

NM_001122681.2(SH3BP2):c.143T>C (p.Leu48Pro)

Gene: SH3BP2 (SH3 domain binding protein 2; plus strand). Cytogenetic location: 4p16.3.
Variant type: single nucleotide variant.
Coding change: c.143T>C on transcript NM_001122681.2 (MANE Select); coding-DNA position 143, T replaced by C.
Protein change: p.Leu48Pro; replaces leucine 48 with proline.
Molecular consequence: missense variant.
Genome position (GRCh38, 1-based): chr4:2,822,941, T>C. VCF-style: chr4-2822941-T-C. GRCh37 (hg19) VCF-style: chr4-2824668-T-C.
Other names: c.227T>C, p.Leu76Pro (NM_001145855.2); c.314T>C, p.Leu105Pro (NM_001145856.2); c.143T>C, p.Leu48Pro (NM_003023.4); short protein forms L76P, L105P, L48P.
Identifiers: ClinVar variation 1930629 (VCV001930629.6), dbSNP rs760711223, ClinGen allele CA2818922.

ClinVar aggregate classification (germline): Uncertain significance. Review status: criteria provided, multiple submitters, no conflicts (2 of 4 stars). 2 submissions from 2 submitters: Uncertain significance (2). Last evaluated 2025-11-03.

Conditions:
Fibrous dysplasia of jaw (CRBM). Also called: Cherubism. Identifiers: Orphanet 184, MedGen C0008029, MONDO:0007315, OMIM 118400.
Inborn genetic diseases. Identifiers: MedGen C0950123, MeSH D030342.

Allele frequency attached by ClinVar (database versions not stated): gnomAD 0.00001; TOPMed 0.00001; ExAC 0.00002; gnomAD exomes 0.00006.
gnomAD v4.1: 92 of 1,613,676 alleles (0.0057%); highest among the groups gnomAD compares: Non-Finnish European, 0.0075%; no homozygotes.

Submissions (2):

Ambry Genetics
Classification: Uncertain significance for Inborn genetic diseases. Last evaluated: 2025-11-03. Review status: criteria provided, single submitter. Criteria: Ambry Variant Classification Scheme 2023. Collection method: clinical testing. Allele origin: germline.

Labcorp Genetics (formerly Invitae), Labcorp
Classification: Uncertain significance for Fibrous dysplasia of jaw. Last evaluated: 2024-12-24. Review status: criteria provided, single submitter. Criteria: Invitae Variant Classification Sherloc (09022015). Collection method: clinical testing. Allele origin: germline.
Comment: This sequence change replaces leucine, which is neutral and non-polar, with proline, which is neutral and non-polar, at codon 48 of the SH3BP2 protein (p.Leu48Pro). This variant is present in population databases (rs760711223, gnomAD 0.003%). This variant has not been reported in the literature in individuals affected with SH3BP2-related conditions. ClinVar contains an entry for this variant (Variation ID: 1930629). Invitae Evidence Modeling of protein sequence and biophysical properties (such as structural, functional, and spatial information, amino acid conservation, physicochemical variation, residue mobility, and thermodynamic stability) indicates that this missense variant is not expected to disrupt SH3BP2 protein function with a negative predictive value of 95%. In summary, the available evidence is currently insufficient to determine the role of this variant in disease. Therefore, it has been classified as a Variant of Uncertain Significance.